The following is an entry in ClinVar:

NM_002470.4(MYH3):c.5286+8G>A

Gene: MYH3 (myosin heavy chain 3; minus strand). Cytogenetic location: 17p13.1.
Variant type: single nucleotide variant.
Coding change: c.5286+8G>A on transcript NM_002470.4 (MANE Select); 8 bases into the intron after coding-DNA position 5286, G replaced by A.
Molecular consequence: intron variant.
Genome position (GRCh38, 1-based): chr17:10,631,603, C>T on the plus strand (G>A on the coding strand, the complement: MYH3 is on the minus strand). VCF-style: chr17-10631603-C-T. GRCh37 (hg19) VCF-style: chr17-10534920-C-T.
Identifiers: ClinVar variation 2777695 (VCV002777695.3), dbSNP rs1357750233, ClinGen allele CA625012929.

ClinVar aggregate classification (germline): Uncertain significance (1 of 4 stars; one submission).

Allele frequency attached by ClinVar (database versions not stated): gnomAD 0.00001; gnomAD exomes 0.00001.
gnomAD v4.1: 11 of 1,614,004 alleles (0.00068%); highest among the groups gnomAD compares: East Asian, 0.0022%; no homozygotes.

Submission:

Labcorp Genetics (formerly Invitae), Labcorp
Classification: Uncertain significance. Last evaluated: 2023-03-26. Review status: criteria provided, single submitter. Criteria: Invitae Variant Classification Sherloc (09022015). Collection method: clinical testing. Allele origin: germline.
Comment: In summary, the available evidence is currently insufficient to determine the role of this variant in disease. Therefore, it has been classified as a Variant of Uncertain Significance. Algorithms developed to predict the effect of sequence changes on RNA splicing suggest that this variant may disrupt the consensus splice site. This variant has not been reported in the literature in individuals affected with MYH3-related conditions. This variant is present in population databases (no rsID available, gnomAD 0.01%). This sequence change falls in intron 36 of the MYH3 gene. It does not directly change the encoded amino acid sequence of the MYH3 protein.